The following is an entry in ClinVar:

NM_001267550.2(TTN):c.89993C>A (p.Ser29998Ter)

Genes: TTN (titin; minus strand), TTN-AS1 (TTN antisense RNA 1; plus strand). Cytogenetic location: 2q31.2.
Variant type: single nucleotide variant.
Coding change: c.89993C>A on transcript NM_001267550.2 (MANE Select); coding-DNA position 89993, C replaced by A.
Protein change: p.Ser29998Ter; replaces serine 29998 with a stop codon.
Molecular consequence: nonsense.
Genome position (GRCh38, 1-based): chr2:178,552,907, G>T on the plus strand (C>A on the coding strand, the complement: TTN is on the minus strand). VCF-style: chr2-178552907-G-T. GRCh37 (hg19) VCF-style: chr2-179417634-G-T.
Other names: c.85070C>A, p.Ser28357Ter (NM_001256850.1); c.62798C>A, p.Ser20933Ter (NM_003319.4); c.82289C>A, p.Ser27430Ter (NM_133378.4); c.63173C>A, p.Ser21058Ter (NM_133432.3); c.63374C>A, p.Ser21125Ter (NM_133437.4); short protein forms S28357*, S29998*, S20933*, S21125*, S21058*, S27430*.
Identifiers: ClinVar variation 523897 (VCV000523897.8), dbSNP rs376543931, ClinGen allele CA349514407.

ClinVar aggregate classification (germline): Likely pathogenic. Review status: criteria provided, multiple submitters, no conflicts (2 of 4 stars). 4 submissions from 4 submitters: Likely pathogenic (4). Last evaluated 2026-04-02.

Conditions:
Dilated cardiomyopathy 1G (CMD1G). Identifiers: Orphanet 154, MedGen C1858763, MONDO:0011400, OMIM 604145.
Autosomal recessive limb-girdle muscular dystrophy type 2J (LGMDR10). Also called: MUSCULAR DYSTROPHY, LIMB-GIRDLE, AUTOSOMAL RECESSIVE 10; Limb-girdle muscular dystrophy, type 2J. Identifiers: Orphanet 140922, MedGen C1837342, MONDO:0012127, OMIM 608807.
Cardiovascular phenotype. Identifiers: MedGen CN230736.
Hypertrophic cardiomyopathy 9. Also called: Familial hypertrophic cardiomyopathy 9. Identifiers: MedGen C1861065, MONDO:0013412, OMIM 613765.

Submissions (4):

Ambry Genetics
Classification: Likely pathogenic for Cardiovascular phenotype. Last evaluated: 2026-04-02. Review status: criteria provided, single submitter. Criteria: Ambry Variant Classification Scheme 2023. Collection method: clinical testing. Allele origin: germline.
Comment: The p.S20933* variant (also known as c.62798C>A), located in coding exon 162 of the TTN gene, results from a C to A substitution at nucleotide position 62798. This changes the amino acid from a serine to a stop codon within coding exon 162. This exon is located in the A-band region of the N2-B isoform of the titin protein and is constitutively expressed in TTN transcripts (percent spliced in or PSI 100%). This variant is considered to be rare based on population cohorts in the Genome Aggregation Database (gnomAD). This variant is expected to result in loss of function by premature protein truncation or nonsense-mediated mRNA decay. While truncating variants in TTN are present in 1-3% of the general population, truncating variants in the A-band are the most common cause of dilated cardiomyopathy (Herman DS et al. N. Engl. J. Med., 2012 Feb;366:619-28; Roberts AM et al. Sci Transl Med, 2015 Jan;7:270ra6). TTN truncating variants encoded in constitutive exons (PSI >90%) have been found to be significantly associated with DCM regardless of their position in titin (Schafer S et al. Nat. Genet., 2017 01;49:46-53; Akhtar MM et al. Circ Heart Fail, 2020 Oct;13:e006832; Massier M et al. Clin Genet, 2025 Jan). Based on the majority of available evidence to date, this variant is likely to be pathogenic.

Labcorp Genetics (formerly Invitae), Labcorp
Classification: Likely pathogenic for Dilated cardiomyopathy 1G; Autosomal recessive limb-girdle muscular dystrophy type 2J. Last evaluated: 2025-11-21. Review status: criteria provided, single submitter. Criteria: Invitae Variant Classification Sherloc (09022015). Collection method: clinical testing. Allele origin: germline.
Comment: This sequence change creates a premature translational stop signal (p.Ser29998*) in the TTN gene. While this is not anticipated to result in nonsense mediated decay, it is expected to create a truncated TTN protein. This variant is not present in population databases (gnomAD no frequency). This variant has not been reported in the literature in individuals affected with TTN-related conditions. ClinVar contains an entry for this variant (Variation ID: 523897). This variant is located in the A band of TTN (PMID: 25589632). Truncating variants in this region are significantly overrepresented in patients affected with dilated cardiomyopathy (PMID: 25589632). Truncating variants in this region have also been reported in individuals affected with autosomal recessive centronuclear myopathy (PMID: 23975875). In summary, the currently available evidence indicates that the variant is pathogenic, but additional data are needed to prove that conclusively. Therefore, this variant has been classified as Likely Pathogenic.

New York Genome Center
Classification: Likely pathogenic for Hypertrophic cardiomyopathy 9; Dilated cardiomyopathy 1G. Last evaluated: 2021-10-12. Review status: criteria provided, single submitter. Criteria: NYGC Assertion Criteria 2020. Collection method: clinical testing. Allele origin: germline. Observed: 1 variant allele.
Comment: The c.89993C>A (p.Ser29998Ter) variant identified in the TTN gene is a nonsense variant that leads to the premature termination of the protein at amino acid 29998/35992 (exon 335/363). This variant is absent from gnomAD(v3.1.1) suggesting it is not a common benign variant in the populations represented inthat database. This variant is reported in ClinVar as Likely Pathogenic (VarID: 523897) and to our current knowledge has not been reported in affected individuals in the literature. The p.Ser29998 residue is within the A-band of TTN, where most variants associated with dilated cardiomyopathy are located [PMID:26777568,27869827, 28045975]. The c.89993C>A (p.Ser29998Ter) variant identified in the TTN gene is reported as Likely Pathogenic.

GeneDx
Classification: Likely pathogenic. Last evaluated: 2018-04-27. Review status: criteria provided, single submitter. Criteria: GeneDx Variant Classification (06012015). Collection method: clinical testing. Allele origin: germline. Affected: yes.
Comment: The S28357X variant in the TTN gene has not been reported as a pathogenic or benign to our knowledge.our knowledge. However, S28357X is predicted to cause loss of normal protein function either by protein truncation or nonsense-mediated mRNA decay. Other truncating TTN variants have been reported in approximately 3% of control alleles (Herman et al., 2012). However, S28357X is located in the A-band region of titin, where the majority of truncating pathogenic variants associated with DCM have been reported (Herman et al., 2012). Finally, the S28357X variant is not observed in large population cohorts (Lek et al., 2016).In summary, S28357X in the TTN gene is interpreted as a likely pathogenic variant.

Literature cited by the submitters: PubMed 25589632 (cited by Labcorp Genetics (formerly Invitae), Labcorp); PubMed 23975875 (cited by Labcorp Genetics (formerly Invitae), Labcorp).